The following is an entry in ClinVar:

NM_017613.4(DONSON):c.1367_1368del (p.Val456fs)

Gene: DONSON (DNA replication fork stabilization factor DONSON; minus strand). Cytogenetic location: 21q22.11.
Variant type: Microsatellite.
Coding change: c.1367_1368del on transcript NM_017613.4 (MANE Select); coding-DNA positions 1367 to 1368, 2 bases deleted (TG; older notation c.1367_1368delTG).
Protein change: p.Val456fs; shifts the reading frame from valine 456.
Molecular consequence: frameshift variant.
Genome position (GRCh38, 1-based): chr21:33,579,545-33,579,546, CA deleted on the plus strand (TG on the coding strand, the reverse complement: DONSON is on the minus strand); deleting any 2 consecutive bases within chr21:33,579,545-33,579,548 gives the same sequence; the c. name uses the placement nearest the transcript's 3' end. VCF-style (leftmost placement, unchanged base first): chr21-33579544-TCA-T. GRCh37 (hg19) VCF-style: chr21-34951850-TCA-T.
Other names: short protein forms V456fs.
Identifiers: ClinVar variation 1441615 (VCV001441615.6), dbSNP rs2145899336, ClinGen allele CA2580616382.

ClinVar aggregate classification (germline): Pathogenic (1 of 4 stars; one submission).

Submission:

Labcorp Genetics (formerly Invitae), Labcorp
Classification: Pathogenic. Last evaluated: 2021-12-21. Review status: criteria provided, single submitter. Criteria: Invitae Variant Classification Sherloc (09022015). Collection method: clinical testing. Allele origin: germline.
Comment: For these reasons, this variant has been classified as Pathogenic. This variant has not been reported in the literature in individuals affected with DONSON-related conditions. This variant is not present in population databases (gnomAD no frequency). This sequence change creates a premature translational stop signal (p.Val456Glufs*13) in the DONSON gene. It is expected to result in an absent or disrupted protein product. Loss-of-function variants in DONSON are known to be pathogenic (PMID: 28191891, 28630177).

Literature cited by the submitters: PubMed 28191891; PubMed 28630177.